The following is an entry in ClinVar:

NM_016341.4(PLCE1):c.3194_3205del (p.Ala1065_Ala1068del)

Gene: PLCE1 (phospholipase C epsilon 1; plus strand). Cytogenetic location: 10q23.33.
Variant type: Deletion.
Coding change: c.3194_3205del on transcript NM_016341.4 (MANE Select); coding-DNA positions 3194 to 3205, 12 bases deleted (CAAAGAATGCTG).
Protein change: p.Ala1065_Ala1068del.
Molecular consequence: inframe deletion.
Genome position (GRCh38, 1-based): chr10:94,252,413-94,252,424, CAAAGAATGCTG deleted; deleting any 12 consecutive bases within chr10:94,252,412-94,252,424 gives the same sequence; the c. name uses the placement nearest the transcript's 3' end. VCF-style (leftmost placement, unchanged base first): chr10-94252411-AGCAAAGAATGCT-A. GRCh37 (hg19) VCF-style: chr10-96012168-AGCAAAGAATGCT-A.
Other names: c.2270_2281del, p.Ala757_Ala760del (NM_001165979.2); c.3194_3205del, p.Ala1065_Ala1068del (NM_001288989.2).
Identifiers: ClinVar variation 2070768 (VCV002070768.4), dbSNP rs2496083409, ClinGen allele CA2580082495.
Genomic context (GRCh38, chr10:94,252,411, plus strand): 5'-CGCTGTGGAGTTGTTTGGTGGCAGACGGTGGAGTGCTCGAAACCCCAGCCCCGGAACATC[AGCAAAGAATGCT>A]GAGAAGCCCAATATGCAGAGAAACAATACCCTGGGCATAAGCACTACCAAGAAAAAGAAG-3'

ClinVar aggregate classification (germline): Uncertain significance (1 of 4 stars; one submission).

Submission:

Labcorp Genetics (formerly Invitae), Labcorp
Classification: Uncertain significance. Last evaluated: 2022-02-20. Review status: criteria provided, single submitter. Criteria: Invitae Variant Classification Sherloc (09022015). Collection method: clinical testing. Allele origin: germline.
Comment: In summary, the available evidence is currently insufficient to determine the role of this variant in disease. Therefore, it has been classified as a Variant of Uncertain Significance. Experimental studies and prediction algorithms are not available or were not evaluated, and the functional significance of this variant is currently unknown. This variant has not been reported in the literature in individuals affected with PLCE1-related conditions. This variant is not present in population databases (gnomAD no frequency). This variant, c.3194_3205del, results in the deletion of 4 amino acid(s) of the PLCE1 protein (p.Ala1065_Ala1068del), but otherwise preserves the integrity of the reading frame.